The following is an entry in ClinVar:

ClinVar aggregate classification (germline): Likely pathogenic (1 of 4 stars; one submission).

Conditions:
Neonatal-onset encephalopathy with rigidity and seizures. Also called: Lethal neonatal spasticity-epileptic encephalopathy syndrome. Identifiers: Orphanet 435845, MedGen C3281029, MONDO:0013784, OMIM 614498.

Submission:

Labcorp Genetics (formerly Invitae), Labcorp
Classification: Likely pathogenic for Neonatal-onset encephalopathy with rigidity and seizures. Last evaluated: 2022-03-23. Review status: criteria provided, single submitter. Criteria: Invitae Variant Classification Sherloc (09022015). Collection method: clinical testing. Allele origin: germline.
Comment: In summary, the currently available evidence indicates that the variant is pathogenic, but additional data are needed to prove that conclusively. Therefore, this variant has been classified as Likely Pathogenic. Algorithms developed to predict the effect of sequence changes on RNA splicing suggest that this variant may disrupt the consensus splice site. This variant has not been reported in the literature in individuals affected with BRAT1-related conditions. This variant is not present in population databases (gnomAD no frequency). This sequence change affects an acceptor splice site in intron 8 of the BRAT1 gene. It is expected to disrupt RNA splicing. Variants that disrupt the donor or acceptor splice site typically lead to a loss of protein function (PMID: 16199547), and loss-of-function variants in BRAT1 are known to be pathogenic (PMID: 22279524, 25500575).

Literature cited by the submitters: PubMed 16199547; PubMed 22279524; PubMed 25500575.

NM_152743.4(BRAT1):c.1135-1G>T

Gene: BRAT1 (BRCA1 associated ATM activator 1; minus strand). Cytogenetic location: 7p22.3.
Variant type: single nucleotide variant.
Coding change: c.1135-1G>T on transcript NM_152743.4 (MANE Select); the canonical splice acceptor site of the intron before coding-DNA position 1135, G replaced by T.
Molecular consequence: splice acceptor variant.
Genome position (GRCh38, 1-based): chr7:2,541,485, C>A on the plus strand (G>T on the coding strand, the complement: BRAT1 is on the minus strand). VCF-style: chr7-2541485-C-A. GRCh37 (hg19) VCF-style: chr7-2581119-C-A.
Other names: c.610-1G>T (NM_001350627.2); c.1135-1G>T (NM_001350626.2).
Identifiers: ClinVar variation 2115424 (VCV002115424.4), dbSNP rs1470556890, ClinGen allele CA366629481.